The following is an entry in ClinVar:

NM_000441.2(SLC26A4):c.391G>A (p.Gly131Arg)

Gene: SLC26A4 (solute carrier family 26 member 4; plus strand). Cytogenetic location: 7q22.3.
Variant type: single nucleotide variant.
Coding change: c.391G>A on transcript NM_000441.2 (MANE Select); coding-DNA position 391, G replaced by A.
Protein change: p.Gly131Arg; replaces glycine 131 with arginine.
Molecular consequence: missense variant.
Genome position (GRCh38, 1-based): chr7:107,672,224, G>A. VCF-style: chr7-107672224-G-A. GRCh37 (hg19) VCF-style: chr7-107312669-G-A.
Other names: short protein forms G131R.
Identifiers: ClinVar variation 5004927 (VCV005004927.1).
Genomic context (GRCh38, chr7:107,672,224, plus strand): 5'-GTTCCTGTCGGATATGGTCTCTACTCTGCTTTTTTCCCTATCCTGACATACTTTATCTTT[G>A]GAACATCAAGACATATCTCAGTTGGTAATTATAAGTATATTTTACAATTATATTTGCTCA-3'
Protein context (NP_000432.1, residues 121-141): FFPILTYFIF[Gly131Arg]TSRHISVGPF

ClinVar aggregate classification (germline): Uncertain significance (1 of 4 stars; one submission).

Conditions:
Pendred syndrome (PDS). Also called: Pendred Syndrome (PDS); DEAFNESS WITH GOITER; THYROID DYSHORMONOGENESIS 2B; THYROID HORMONOGENESIS, GENETIC DEFECT IN, 2B; HYPOTHYROIDISM, CONGENITAL, DUE TO DYSHORMONOGENESIS, 2B; GOITER-DEAFNESS SYNDROME. Identifiers: Orphanet 705, MedGen C0271829, MONDO:0010134, OMIM 274600.

Submission:

Myriad Genetics, Inc.
Classification: Uncertain significance for Pendred syndrome. Last evaluated: 2026-05-29. Review status: criteria provided, single submitter. Criteria: Myriad Autosomal Dominant, Autosomal Recessive and X-Linked Classification Criteria (2023). Collection method: clinical testing. Allele origin: unknown.
Comment: NM_000441.1(SLC26A4):c.391G>A(G131R) is a missense variant classified as a variant of uncertain significance in the context of Pendred syndrome. G131R has been observed in a case with relevant disease (PMID: 25372295). Relevant functional assessments of this variant are not available in the literature. G131R has not been observed in referenced population frequency databases. In summary, there is insufficient evidence to classify NM_000441.1(SLC26A4):c.391G>A(G131R) as pathogenic or benign. Please note: this variant was assessed in the context of healthy population screening.

Literature cited by the submitters: PubMed 25372295.